The following is an entry in ClinVar:

ClinVar aggregate classification (germline): Benign. Review status: criteria provided, multiple submitters, no conflicts (2 of 4 stars). 4 submissions from 4 submitters: Benign (4). Last evaluated 2023-04-11.

Conditions:
Glycogen storage disease type III (GSD3). Also called: FORBES DISEASE; Cori disease. Identifiers: Orphanet 366, MedGen C0017922, MONDO:0009291, OMIM 232400.

Allele frequency attached by ClinVar (database versions not stated): gnomAD 0.31955 and 0.32438; 1000 Genomes Project 30x 0.32121; TOPMed 0.32537; 1000 Genomes Project 0.33207; gnomAD exomes 0.40443.
gnomAD v4.1: 87,482 of 246,618 alleles (35%); highest among the groups gnomAD compares: East Asian, 59%; 17,754 homozygotes.

Submissions (4):

Genome-Nilou Lab
Classification: Benign for Glycogen storage disease type III. Last evaluated: 2023-04-11. Review status: criteria provided, single submitter. Criteria: ACMG Guidelines, 2015. Collection method: clinical testing. Allele origin: germline. Affected: no.

GeneDx
Classification: Benign. Last evaluated: 2018-06-26. Review status: criteria provided, single submitter. Criteria: GeneDx Variant Classification Process June 2021. Collection method: clinical testing. Allele origin: germline. Affected: yes.

Illumina Laboratory Services, Illumina
Classification: Benign for Glycogen storage disease type III. Last evaluated: 2018-01-13. Review status: criteria provided, single submitter. Criteria: ICSL Variant Classification Criteria 13 December 2019. Collection method: clinical testing. Allele origin: germline.
Comment: This variant was observed in the ICSL laboratory as part of a predisposition screen in an ostensibly healthy population. It had not been previously curated by ICSL or reported in the Human Gene Mutation Database (HGMD: prior to June 1st, 2018), and was therefore a candidate for classification through an automated scoring system. Utilizing variant allele frequency, disease prevalence and penetrance estimates, and inheritance mode, an automated score was calculated to assess if this variant is too frequent to cause the disease. Based on the score and internal cut-off values, a variant classified as benign is not then subjected to further curation. The score for this variant resulted in a classification of benign for this disease.

Breakthrough Genomics
Classification: Benign. Review status: criteria provided, single submitter. Criteria: ACMG Guidelines, 2015. Collection method: not provided. Allele origin: germline. Inheritance: Autosomal recessive inheritance. Affected: yes.

NM_000642.3(AGL):c.*272G>T

Gene: AGL (amylo-alpha-1,6-glucosidase and 4-alpha-glucanotransferase; plus strand). Cytogenetic location: 1p21.2.
Variant type: single nucleotide variant.
Coding change: c.*272G>T on transcript NM_000642.3 (MANE Select); 272 bases downstream of the stop codon, G replaced by T.
Molecular consequence: 3 prime UTR variant.
Genome position (GRCh38, 1-based): chr1:99,921,923, G>T. VCF-style: chr1-99921923-G-T. GRCh37 (hg19) VCF-style: chr1-100387479-G-T.
Other names: c.*272G>T (NM_000028.3, NM_000643.3, NM_000644.3 and 7 more transcripts).
Identifiers: ClinVar variation 291351 (VCV000291351.8), dbSNP rs1804808, ClinGen allele CA10610494.